The following is an entry in ClinVar:

NM_021625.5(TRPV4):c.2521G>A (p.Val841Met)

Gene: TRPV4 (transient receptor potential cation channel subfamily V member 4; minus strand). Cytogenetic location: 12q24.11.
Variant type: single nucleotide variant.
Coding change: c.2521G>A on transcript NM_021625.5 (MANE Select); coding-DNA position 2521, G replaced by A.
Protein change: p.Val841Met; replaces valine 841 with methionine.
Molecular consequence: missense variant.
Genome position (GRCh38, 1-based): chr12:109,783,716, C>T on the plus strand (G>A on the coding strand, the complement: TRPV4 is on the minus strand). VCF-style: chr12-109783716-C-T. GRCh37 (hg19) VCF-style: chr12-110221521-C-T.
Other names: c.2200G>A, p.Val734Met (NM_001177433.2); c.2341G>A, p.Val781Met (NM_147204.3); c.2380G>A, p.Val794Met (NM_001177428.2); c.2419G>A, p.Val807Met (NM_001177431.2); short protein forms V734M, V841M, V781M, V794M, V807M.
Identifiers: ClinVar variation 653157 (VCV000653157.13), dbSNP rs1592812166, ClinGen allele CA386648533.

ClinVar aggregate classification (germline): Uncertain significance. Review status: criteria provided, multiple submitters, no conflicts (2 of 4 stars). 2 submissions from 2 submitters: Uncertain significance (2). Last evaluated 2022-09-19.

Conditions:
Charcot-Marie-Tooth disease axonal type 2C (HMSN2C). Also called: CHARCOT-MARIE-TOOTH DISEASE, AXONAL, AUTOSOMAL DOMINANT, TYPE 2C; Charcot-Marie-Tooth Neuropathy Type 2C; Charcot-Marie-Tooth Disease Type 2, TRPV4-Related (CMT2C). Identifiers: Orphanet 99937, MedGen C1853710, MONDO:0011633, OMIM 606071.

Allele frequency attached by ClinVar (database versions not stated): gnomAD exomes below 0.00001.
gnomAD v4.1: 1 of 1,613,804 alleles (0.000062%); no homozygotes.

Submissions (2):

Labcorp Genetics (formerly Invitae), Labcorp
Classification: Uncertain significance for Charcot-Marie-Tooth disease axonal type 2C. Last evaluated: 2022-09-19. Review status: criteria provided, single submitter. Criteria: Invitae Variant Classification Sherloc (09022015). Collection method: clinical testing. Allele origin: germline.
Comment: In summary, the available evidence is currently insufficient to determine the role of this variant in disease. Therefore, it has been classified as a Variant of Uncertain Significance. Advanced modeling of protein sequence and biophysical properties (such as structural, functional, and spatial information, amino acid conservation, physicochemical variation, residue mobility, and thermodynamic stability) has been performed at Invitae for this missense variant, however the output from this modeling did not meet the statistical confidence thresholds required to predict the impact of this variant on TRPV4 protein function. ClinVar contains an entry for this variant (Variation ID: 653157). This variant has not been reported in the literature in individuals affected with TRPV4-related conditions. This variant is not present in population databases (gnomAD no frequency). This sequence change replaces valine, which is neutral and non-polar, with methionine, which is neutral and non-polar, at codon 841 of the TRPV4 protein (p.Val841Met).

Mayo Clinic Laboratories, Mayo Clinic
Classification: Uncertain significance. Last evaluated: 2019-08-05. Review status: criteria provided, single submitter. Criteria: ACMG Guidelines, 2015. Collection method: clinical testing. Allele origin: germline. Observed: 1 variant allele.